The following is an entry in ClinVar:

ClinVar aggregate classification (germline): Likely benign. Review status: criteria provided, multiple submitters, no conflicts (2 of 4 stars). 3 submissions from 3 submitters: Likely benign (3). Last evaluated 2025-06-14.

Conditions:
TNC-related disorder. Also called: TNC-related condition.

Allele frequency attached by ClinVar (database versions not stated): ExAC 0.00012; gnomAD exomes 0.00016 and 0.00025; gnomAD 0.00021 and 0.00023; TOPMed 0.00022.
gnomAD v4.1: 400 of 1,613,966 alleles (0.025%); highest among the groups gnomAD compares: Admixed American, 0.047%; no homozygotes.

Submissions (3):

PreventionGenetics, part of Exact Sciences
Classification: Likely benign for TNC-related condition. Last evaluated: 2025-06-14. Review status: criteria provided, single submitter. Criteria: ACMG Guidelines, 2015. Collection method: clinical testing. Allele origin: germline.
Comment: This variant is classified as likely benign based on ACMG/AMP sequence variant interpretation guidelines (Richards et al. 2015 PMID: 25741868, with internal and published modifications).

Blueprint Genetics
Classification: Likely benign. Last evaluated: 2024-11-11. Review status: criteria provided, single submitter. Criteria: ACMG Guidelines, 2015. Collection method: clinical testing. Allele origin: germline.

GeneDx
Classification: Likely benign. Last evaluated: 2020-07-28. Review status: criteria provided, single submitter. Criteria: GeneDx Variant Classification Process June 2021. Collection method: clinical testing. Allele origin: germline. Affected: yes.

NM_002160.4(TNC):c.1710G>A (p.Gln570=)

Gene: TNC (tenascin C; minus strand). Cytogenetic location: 9q33.1.
Variant type: single nucleotide variant.
Coding change: c.1710G>A on transcript NM_002160.4 (MANE Select); coding-DNA position 1710, G replaced by A.
Protein change: p.Gln570=; no amino-acid change (glutamine 570 retained).
Molecular consequence: synonymous variant.
Genome position (GRCh38, 1-based): chr9:115,086,021, C>T on the plus strand (G>A on the coding strand, the complement: TNC is on the minus strand). VCF-style: chr9-115086021-C-T. GRCh37 (hg19) VCF-style: chr9-117848300-C-T.
Identifiers: ClinVar variation 1318295 (VCV001318295.4), dbSNP rs549736488, ClinGen allele CA5208747.